The following is an entry in ClinVar:

ClinVar aggregate classification (germline): Uncertain significance. Review status: criteria provided, multiple submitters, no conflicts (2 of 4 stars). 2 submissions from 2 submitters: Uncertain significance (2). Last evaluated 2024-03-17.

Conditions:
Emery-Dreifuss muscular dystrophy 5, autosomal dominant (EDMD5). Also called: EMERY-DREIFUSS MUSCULAR DYSTROPHY 5. Identifiers: Orphanet 261, MedGen C2751805, MONDO:0013072, OMIM 612999.

Allele frequency attached by ClinVar (database versions not stated): gnomAD 0.00001.
gnomAD v4.1: 6 of 1,613,526 alleles (0.00037%); highest among the groups gnomAD compares: African/African-American, 0.0013%; no homozygotes.

Submissions (2):

Labcorp Genetics (formerly Invitae), Labcorp
Classification: Uncertain significance for Emery-Dreifuss muscular dystrophy 5, autosomal dominant. Last evaluated: 2024-03-17. Review status: criteria provided, single submitter. Criteria: Invitae Variant Classification Sherloc (09022015). Collection method: clinical testing. Allele origin: germline.
Comment: This sequence change replaces glutamine, which is neutral and polar, with glutamic acid, which is acidic and polar, at codon 796 of the SYNE2 protein (p.Gln796Glu). This variant is present in population databases (rs749179202, gnomAD 0.002%). This variant has not been reported in the literature in individuals affected with SYNE2-related conditions. ClinVar contains an entry for this variant (Variation ID: 2436804). An algorithm developed to predict the effect of missense changes on protein structure and function (PolyPhen-2) suggests that this variant is likely to be disruptive. In summary, the available evidence is currently insufficient to determine the role of this variant in disease. Therefore, it has been classified as a Variant of Uncertain Significance.

Revvity Omics, Revvity
Classification: Uncertain significance for Emery-Dreifuss muscular dystrophy 5, autosomal dominant. Last evaluated: 2020-02-20. Review status: criteria provided, single submitter. Criteria: ACMG Guidelines, 2015. Collection method: clinical testing. Allele origin: germline.

NM_182914.3(SYNE2):c.2386C>G (p.Gln796Glu)

Gene: SYNE2 (spectrin repeat containing nuclear envelope protein 2; plus strand). Cytogenetic location: 14q23.2.
Variant type: single nucleotide variant.
Coding change: c.2386C>G on transcript NM_182914.3 (MANE Select); coding-DNA position 2386, C replaced by G.
Protein change: p.Gln796Glu; replaces glutamine 796 with glutamic acid.
Molecular consequence: missense variant.
Genome position (GRCh38, 1-based): chr14:63,990,483, C>G. VCF-style: chr14-63990483-C-G. GRCh37 (hg19) VCF-style: chr14-64457201-C-G.
Other names: c.2386C>G, p.Gln796Glu (NM_015180.6); short protein forms Q796E.
Identifiers: ClinVar variation 2436804 (VCV002436804.5), dbSNP rs749179202, ClinGen allele CA7219677.
Genomic context (GRCh38, chr14:63,990,483, plus strand): 5'-AAAGGCTCTATGTTTGATGAGCTTATGGCAAGAAGTGAAGATATGTTACAAATGGATATA[C>G]AAAATATTTCAAGCCAGGAGTCCTTTCAACATGTTCTCACAACTGGGCTTCAGGCAAAGA-3'
Protein context (NP_878918.2, residues 786-806): RSEDMLQMDI[Gln796Glu]NISSQESFQH